The following is an entry in ClinVar:

NM_002047.4(GARS1):c.1772A>T (p.His591Leu)

Gene: GARS1 (glycyl-tRNA synthetase 1; plus strand). Cytogenetic location: 7p14.3.
Variant type: single nucleotide variant.
Coding change: c.1772A>T on transcript NM_002047.4 (MANE Select); coding-DNA position 1772, A replaced by T.
Protein change: p.His591Leu; replaces histidine 591 with leucine.
Molecular consequence: missense variant.
Genome position (GRCh38, 1-based): chr7:30,628,632, A>T. VCF-style: chr7-30628632-A-T. GRCh37 (hg19) VCF-style: chr7-30668248-A-T.
Other names: c.1610A>T, p.His537Leu (NM_001316772.1); short protein forms H537L, H591L.
Identifiers: ClinVar variation 5039039 (VCV005039039.1).
Genomic context (GRCh38, chr7:30,628,632, plus strand): 5'-TTCCGAATGTAATTGAACCTTCCTTCGGCCTGGGTAGGATCATGTATACGGTATTTGAAC[A>T]TACATTCCATGTACGAGAAGGAGATGAACAGAGAACAGTAAGTTGTTGTGTACAGTGTGC-3'
Protein context (NP_002038.2, residues 581-601): LGRIMYTVFE[His591Leu]TFHVREGDEQ

ClinVar aggregate classification (germline): Uncertain significance (1 of 4 stars; one submission).

Submission:

CeGaT Center for Human Genetics Tuebingen
Classification: Uncertain significance. Last evaluated: 2026-07-01. Review status: criteria provided, single submitter. Criteria: CeGaT Center For Human Genetics Tuebingen Variant Classification Criteria Version 2. Collection method: clinical testing. Allele origin: germline. Affected: yes. Observed: 1 variant allele.
Comment: GARS1: PM2